The following is an entry in ClinVar:

ClinVar aggregate classification (germline): Benign/Likely benign. Review status: criteria provided, multiple submitters, no conflicts (2 of 4 stars). 3 submissions from 3 submitters: Benign (1); Likely benign (2). Last evaluated 2024-10-14.

Conditions:
Hereditary cancer-predisposing syndrome. Also called: Neoplastic Syndromes, Hereditary; Hereditary Cancer Syndrome; Tumor predisposition; Hereditary neoplastic syndrome. Identifiers: Orphanet 140162, MedGen C0027672, MeSH D009386, MONDO:0015356.
Hereditary diffuse gastric adenocarcinoma (HDGC). Also called: DIFFUSE GASTRIC AND LOBULAR BREAST CANCER SYNDROME. Identifiers: Orphanet 26106, MedGen C1708349, MONDO:0007648, OMIM 137215.

Submissions (3):

Myriad Genetics, Inc.
Classification: Benign for Hereditary diffuse gastric adenocarcinoma. Last evaluated: 2024-10-14. Review status: criteria provided, single submitter. Criteria: Myriad Autosomal Dominant, Autosomal Recessive and X-Linked Classification Criteria (2023). Collection method: clinical testing. Allele origin: unknown.
Comment: This variant is considered benign. This variant is a silent/synonymous amino acid change and it is not expected to impact splicing.

Labcorp Genetics (formerly Invitae), Labcorp
Classification: Likely benign. Last evaluated: 2024-05-06. Review status: criteria provided, single submitter. Criteria: Invitae Variant Classification Sherloc (09022015). Collection method: clinical testing. Allele origin: germline.

Ambry Genetics
Classification: Likely benign for Hereditary cancer-predisposing syndrome. Last evaluated: 2021-12-21. Review status: criteria provided, single submitter. Criteria: Ambry Variant Classification Scheme 2023. Collection method: clinical testing. Allele origin: germline.

NM_001903.5(CTNNA1):c.2109C>A (p.Ser703=)

Gene: CTNNA1 (catenin alpha 1; plus strand). Cytogenetic location: 5q31.2.
Variant type: single nucleotide variant.
Coding change: c.2109C>A on transcript NM_001903.5 (MANE Select); coding-DNA position 2109, C replaced by A.
Protein change: p.Ser703=; no amino-acid change (serine 703 retained).
Molecular consequence: synonymous variant.
Genome position (GRCh38, 1-based): chr5:138,930,571, C>A. VCF-style: chr5-138930571-C-A. GRCh37 (hg19) VCF-style: chr5-138266260-C-A.
Other names: c.2109C>A, p.Ser703= (NM_001290307.3, NM_001323982.2, NM_001323983.1 and 2 more transcripts); c.1800C>A, p.Ser600= (NM_001290309.3); c.1740C>A, p.Ser580= (NM_001290310.3); c.999C>A, p.Ser333= (NM_001290312.1, NM_001323987.1, NM_001323988.1 and 17 more transcripts); c.2016C>A, p.Ser672= (NM_001323986.2); c.660C>A, p.Ser220= (NM_001324006.1, NM_001324007.1, NM_001324008.1 and 2 more transcripts); c.906C>A, p.Ser302= (NM_001324011.1); c.756C>A, p.Ser252= (NM_001324012.1, NM_001324013.1).
Identifiers: ClinVar variation 794675 (VCV000794675.12), dbSNP rs1580908507, ClinGen allele CA446597861.